The following is an entry in ClinVar:

NM_007118.4(TRIO):c.7137_7148dup (p.Pro2383_Glu2384insGlyAlaAlaPro)

Gene: TRIO (trio Rho guanine nucleotide exchange factor; plus strand). Cytogenetic location: 5p15.2.
Variant type: Duplication.
Coding change: c.7137_7148dup on transcript NM_007118.4 (MANE Select); coding-DNA positions 7137 to 7148, 12 bases duplicated (TGGCGCGGCCCC).
Protein change: p.Pro2383_Glu2384insGlyAlaAlaPro.
Molecular consequence: inframe insertion.
Genome position (GRCh38, 1-based): chr5:14,487,765-14,487,776, TGGCGCGGCCCC duplicated; duplicating any 12 consecutive bases within chr5:14,487,761-14,487,776 gives the same sequence; the c. name uses the placement nearest the transcript's 3' end. VCF-style (leftmost placement, unchanged base first): chr5-14487760-C-CCCCCTGGCGCGG. GRCh37 (hg19) VCF-style: chr5-14487869-C-CCCCCTGGCGCGG.
Identifiers: ClinVar variation 2655344 (VCV002655344.25), dbSNP rs951098978, ClinGen allele CA114003787.

ClinVar aggregate classification (germline): Conflicting classifications of pathogenicity. Review status: criteria provided, conflicting classifications (1 of 4 stars). 2 submissions from 2 submitters: Uncertain significance (1); Likely benign (1). Last evaluated 2026-08-01.

Submissions (2):

CeGaT Center for Human Genetics Tuebingen
Classification: Likely benign. Last evaluated: 2026-08-01. Review status: criteria provided, single submitter. Criteria: CeGaT Center For Human Genetics Tuebingen Variant Classification Criteria Version 2. Collection method: clinical testing. Allele origin: germline. Affected: yes. Observed: 3 variant alleles.
Comment: TRIO: BS2

Blueprint Genetics
Classification: Uncertain significance. Last evaluated: 2024-08-27. Review status: criteria provided, single submitter. Criteria: ACMG Guidelines, 2015. Collection method: clinical testing. Allele origin: germline.